The following is an entry in ClinVar:

NM_198282.4(STING1):c.760-240A>G

Gene: STING1 (stimulator of interferon response cGAMP interactor 1; minus strand). Cytogenetic location: 5q31.2.
Variant type: single nucleotide variant.
Coding change: c.760-240A>G on transcript NM_198282.4 (MANE Select); 240 bases into the intron before coding-DNA position 760, A replaced by G.
Molecular consequence: intron variant.
Genome position (GRCh38, 1-based): chr5:139,477,755, T>C on the plus strand (A>G on the coding strand, the complement: STING1 is on the minus strand). VCF-style: chr5-139477755-T-C. GRCh37 (hg19) VCF-style: chr5-138857340-T-C.
Other names: c.403-240A>G (NM_001367258.1); c.759+515A>G (NM_001301738.2).
Identifiers: ClinVar variation 2688116 (VCV002688116.2), dbSNP rs75746446, ClinGen allele CA12145059.

ClinVar aggregate classification (germline): Benign (1 of 4 stars; one submission).

Allele frequency attached by ClinVar (database versions not stated): gnomAD 0.13032; TOPMed 0.13659; 1000 Genomes Project 30x 0.17005; 1000 Genomes Project 0.17532.

Submission:

Unidad de Genómica Garrahan, Hospital de Pediatría Garrahan
Classification: Benign. Last evaluated: 2024-01-24. Review status: criteria provided, single submitter. Criteria: ACMG Guidelines, 2015. Collection method: clinical testing. Allele origin: germline. Affected: no. Observed: 49 variant alleles.
Comment: This variant is classified as Benign based on local population frequency. This variant was detected in 52% of patients studied by a panel of primary immunodeficiencies. Number of patients: 49. Only high quality variants are reported.